The following is an entry in ClinVar:

ClinVar aggregate classification (germline): Conflicting classifications of pathogenicity. Review status: criteria provided, conflicting classifications (1 of 4 stars). 3 submissions from 3 submitters: Pathogenic (1); Likely pathogenic (1); Uncertain significance (1). Last evaluated 2024-03-20.

Conditions:
Autosomal dominant Alport syndrome (ATS3A). Also called: Alport syndrome dominant type; Renal failure and sensorineural hearing loss; ALPORT SYNDROME 3A, AUTOSOMAL DOMINANT. Identifiers: Orphanet 63, Orphanet 88918, MedGen C5882663, MONDO:0007086, OMIM 104200.
Hematuria, benign familial, 2 (BFH2). Identifiers: MedGen C5830421, MONDO:0958186, OMIM 620320.
Alport syndrome 3b, autosomal recessive. Identifiers: MedGen C5882699, MONDO:0957811, OMIM 620536.
Inborn genetic diseases. Identifiers: MedGen C0950123, MeSH D030342.

Allele frequency attached by ClinVar (database versions not stated): gnomAD exomes below 0.00001.
gnomAD v4.1: 1 of 1,612,040 alleles (0.000062%); highest among the groups gnomAD compares: Non-Finnish European, 0.000085%; no homozygotes.

Submissions (3):

Fulgent Genetics
Classification: Likely pathogenic for Autosomal dominant Alport syndrome; Hematuria, benign familial, 2; Alport syndrome 3b, autosomal recessive. Last evaluated: 2024-03-20. Review status: criteria provided, single submitter. Criteria: ACMG Guidelines, 2015. Collection method: clinical testing. Allele origin: germline.

Women's Health and Genetics/Laboratory Corporation of America, LabCorp
Classification: Uncertain significance. Last evaluated: 2024-03-19. Review status: criteria provided, single submitter. Criteria: LabCorp Variant Classification Summary - May 2015. Collection method: clinical testing. Allele origin: germline.
Comment: Variant summary: COL4A3 c.2497G>A (p.Gly833Ser) results in a non-conservative amino acid change in the encoded protein sequence. Five of five in-silico tools predict a damaging effect of the variant on protein function. The variant was absent in 249446 control chromosomes. The available data on variant occurrences in the general population are insufficient to allow any conclusion about variant significance. c.2497G>A has been reported in the literature in individuals affected with Alport Syndrome (Zhou_2023, Rao_2019). These data do not allow any conclusion about variant significance. To our knowledge, no experimental evidence demonstrating an impact on protein function has been reported. The following publications have been ascertained in the context of this evaluation (PMID: 31328266, 37097554). ClinVar contains an entry for this variant (Variation ID: 985676). Based on the evidence outlined above, the variant was classified as uncertain significance.

Ambry Genetics
Classification: Pathogenic for Inborn genetic diseases. Last evaluated: 2017-11-30. Review status: criteria provided, single submitter. Criteria: Ambry exome assertion method (8-5-2015). Collection method: clinical testing. Allele origin: germline. Affected: yes. Observed: 1 variant allele.

Literature cited by the submitters: PubMed 31328266 (cited by Women's Health and Genetics/Laboratory Corporation of America, LabCorp); PubMed 37097554 (cited by Women's Health and Genetics/Laboratory Corporation of America, LabCorp).

NM_000091.5(COL4A3):c.2497G>A (p.Gly833Ser)

Genes: COL4A3 (collagen type IV alpha 3 chain; plus strand), MFF-DT (MFF divergent transcript; minus strand). Cytogenetic location: 2q36.3.
Variant type: single nucleotide variant.
Coding change: c.2497G>A on transcript NM_000091.5 (MANE Select); coding-DNA position 2497, G replaced by A.
Protein change: p.Gly833Ser; replaces glycine 833 with serine.
Molecular consequence: missense variant.
Genome position (GRCh38, 1-based): chr2:227,282,373, G>A. VCF-style: chr2-227282373-G-A. GRCh37 (hg19) VCF-style: chr2-228147089-G-A.
Other names: short protein forms G833S.
Identifiers: ClinVar variation 985676 (VCV000985676.6), dbSNP rs2072039168, ClinGen allele CA350850140.